The following is an entry in ClinVar:

NM_004329.3(BMPR1A):c.622G>C (p.Asp208His)

Gene: BMPR1A (bone morphogenetic protein receptor type 1A; plus strand). Cytogenetic location: 10q23.2.
Variant type: single nucleotide variant.
Coding change: c.622G>C on transcript NM_004329.3 (MANE Select); coding-DNA position 622, G replaced by C.
Protein change: p.Asp208His; replaces aspartic acid 208 with histidine.
Molecular consequence: missense variant. On other transcripts: non-coding transcript variant (3), intron variant (1).
Genome position (GRCh38, 1-based): chr10:86,912,331, G>C. VCF-style: chr10-86912331-G-C. GRCh37 (hg19) VCF-style: chr10-88672088-G-C.
Other names: c.697G>C, p.Asp233His (NM_001406559.1); c.670G>C, p.Asp224His (NM_001406560.1); c.622G>C, p.Asp208His (NM_001406561.1, NM_001406562.1, NM_001406563.1 and 20 more transcripts); c.538G>C, p.Asp180His (NM_001406584.1, NM_001406585.1, NM_001406586.1 and 2 more transcripts); c.334-4803G>C (NM_001406589.1); short protein forms D233H, D180H, D208H, D224H.
Identifiers: ClinVar variation 5032978 (VCV005032978.1).

ClinVar aggregate classification (germline): Uncertain significance (1 of 4 stars; one submission).

Conditions:
Hereditary cancer-predisposing syndrome. Also called: Neoplastic Syndromes, Hereditary; Tumor predisposition; Hereditary neoplastic syndrome; Hereditary Cancer Syndrome. Identifiers: Orphanet 140162, MedGen C0027672, MeSH D009386, MONDO:0015356.

Submission:

Ambry Genetics
Classification: Uncertain significance for Hereditary cancer-predisposing syndrome. Last evaluated: 2026-07-06. Review status: criteria provided, single submitter. Criteria: Ambry Variant Classification Scheme 2023. Collection method: clinical testing. Allele origin: germline.
Comment: The p.D208H variant (also known as c.622G>C), located in coding exon 6 of the BMPR1A gene, results from a G to C substitution at nucleotide position 622. The aspartic acid at codon 208 is replaced by histidine, an amino acid with similar properties. This amino acid position is conserved. In addition, this alteration is predicted to be deleterious by in silico analysis. Based on the available evidence, the clinical significance of this variant remains unclear.